The following is an entry in ClinVar:

NM_002381.5(MATN3):c.*176C>T

Genes: MATN3 (matrilin 3; minus strand), WDR35-DT (WDR35 divergent transcript; plus strand). Cytogenetic location: 2p24.1.
Variant type: single nucleotide variant.
Coding change: c.*176C>T on transcript NM_002381.5 (MANE Select); 176 bases downstream of the stop codon, C replaced by T.
Molecular consequence: 3 prime UTR variant.
Genome position (GRCh38, 1-based): chr2:19,992,935, G>A on the plus strand (C>T on the coding strand, the complement: MATN3 is on the minus strand). VCF-style: chr2-19992935-G-A. GRCh37 (hg19) VCF-style: chr2-20192696-G-A.
Identifiers: ClinVar variation 333410 (VCV000333410.9), dbSNP rs7569975, ClinGen allele CA10612314.
Genomic context (GRCh38, chr2:19,992,935, plus strand): 5'-ATAACTTAGAGACACTAAAGTTTGCTCTTAATAAGTATCTGCATATGTATTTCCTTGGAA[G>A]AATCATGCTGATTCTGCAGAAGATCTTCATACAATTTATCCAGTAATATTCAAGCATTAA-3'

ClinVar aggregate classification (germline): Benign. Review status: criteria provided, multiple submitters, no conflicts (2 of 4 stars). 3 submissions from 3 submitters: Benign (3). Last evaluated 2018-11-12.

Conditions:
Multiple epiphyseal dysplasia type 5 (EDM5). Also called: MATN3-Related Multiple Epiphyseal Dysplasia; Microepiphyseal dysplasia, bilateral hereditary. Identifiers: Orphanet 93311, MedGen C1846843, MONDO:0011765, OMIM 607078.

Allele frequency attached by ClinVar (database versions not stated): gnomAD 0.44939 and 0.45532; TOPMed 0.45573; gnomAD exomes 0.45810; 1000 Genomes Project 30x 0.50578; 1000 Genomes Project 0.50919.

Submissions (3):

GeneDx
Classification: Benign. Last evaluated: 2018-11-12. Review status: criteria provided, single submitter. Criteria: GeneDx Variant Classification Process June 2021. Collection method: clinical testing. Allele origin: germline. Affected: yes.

Illumina Laboratory Services, Illumina
Classification: Benign for Multiple epiphyseal dysplasia type 5. Last evaluated: 2018-01-13. Review status: criteria provided, single submitter. Criteria: ICSL Variant Classification Criteria 13 December 2019. Collection method: clinical testing. Allele origin: germline.
Comment: This variant was observed in the ICSL laboratory as part of a predisposition screen in an ostensibly healthy population. It had not been previously curated by ICSL or reported in the Human Gene Mutation Database (HGMD: prior to June 1st, 2018), and was therefore a candidate for classification through an automated scoring system. Utilizing variant allele frequency, disease prevalence and penetrance estimates, and inheritance mode, an automated score was calculated to assess if this variant is too frequent to cause the disease. Based on the score and internal cut-off values, a variant classified as benign is not then subjected to further curation. The score for this variant resulted in a classification of benign for this disease.

Breakthrough Genomics
Classification: Benign. Review status: criteria provided, single submitter. Criteria: ACMG Guidelines, 2015. Collection method: not provided. Allele origin: germline. Inheritance: Other. Affected: yes.